The following is an entry in ClinVar:

ClinVar aggregate classification (germline): Uncertain significance (1 of 4 stars; one submission).

Conditions:
Cardiovascular phenotype. Identifiers: MedGen CN230736.

Allele frequency attached by ClinVar (database versions not stated): TOPMed below 0.00001; ExAC 0.00001; gnomAD exomes 0.00001.
gnomAD v4.1: 10 of 1,614,154 alleles (0.00062%); highest among the groups gnomAD compares: Middle Eastern, 0.016%; no homozygotes.

Submission:

Ambry Genetics
Classification: Uncertain significance for Cardiovascular phenotype. Last evaluated: 2023-01-22. Review status: criteria provided, single submitter. Criteria: Ambry Variant Classification Scheme 2023. Collection method: clinical testing. Allele origin: germline.
Comment: The p.A1915T variant (also known as c.5743G>A), located in coding exon 36 of the MYH6 gene, results from a G to A substitution at nucleotide position 5743. The alanine at codon 1915 is replaced by threonine, an amino acid with similar properties. This amino acid position is highly conserved in available vertebrate species. In addition, this alteration is predicted to be deleterious by in silico analysis. Since supporting evidence is limited at this time, the clinical significance of this alteration remains unclear.

NM_002471.4(MYH6):c.5743G>A (p.Ala1915Thr)

Gene: MYH6 (myosin heavy chain 6; minus strand). Cytogenetic location: 14q11.2.
Variant type: single nucleotide variant.
Coding change: c.5743G>A on transcript NM_002471.4 (MANE Select); coding-DNA position 5743, G replaced by A.
Protein change: p.Ala1915Thr; replaces alanine 1915 with threonine.
Molecular consequence: missense variant.
Genome position (GRCh38, 1-based): chr14:23,382,481, C>T on the plus strand (G>A on the coding strand, the complement: MYH6 is on the minus strand). VCF-style: chr14-23382481-C-T. GRCh37 (hg19) VCF-style: chr14-23851690-C-T.
Other names: short protein forms A1915T.
Identifiers: ClinVar variation 1749399 (VCV001749399.3), dbSNP rs754649208, ClinGen allele CA7114290.